The following is an entry in ClinVar:

ClinVar aggregate classification (germline): Likely benign. Review status: criteria provided, multiple submitters, no conflicts (2 of 4 stars). 2 submissions from 2 submitters: Likely benign (2). Last evaluated 2025-10-27.

Conditions:
Oligodontia-cancer predisposition syndrome. Also called: TOOTH AGENESIS-COLORECTAL CANCER SYNDROME. Identifiers: Orphanet 300576, MedGen C1837750, MONDO:0012075, OMIM 608615. Disease mechanism: loss of function.

Allele frequency attached by ClinVar (database versions not stated): gnomAD 0.00001; gnomAD exomes 0.00001; TOPMed 0.00001.
gnomAD v4.1: 12 of 1,613,718 alleles (0.00074%); highest among the groups gnomAD compares: Admixed American, 0.0017%; no homozygotes.

Submissions (2):

Labcorp Genetics (formerly Invitae), Labcorp
Classification: Likely benign for Oligodontia-cancer predisposition syndrome. Last evaluated: 2025-10-27. Review status: criteria provided, single submitter. Criteria: Invitae Variant Classification Sherloc (09022015). Collection method: clinical testing. Allele origin: germline.

Myriad Genetics, Inc.
Classification: Likely benign for Oligodontia-cancer predisposition syndrome. Last evaluated: 2024-07-08. Review status: criteria provided, single submitter. Criteria: Myriad Autosomal Dominant, Autosomal Recessive and X-Linked Classification Criteria (2023). Collection method: clinical testing. Allele origin: unknown.
Comment: This variant is considered likely benign. This variant is intronic and is not expected to impact mRNA splicing.

NM_004655.4(AXIN2):c.1712+9C>T

Gene: AXIN2 (axin 2; minus strand). Cytogenetic location: 17q24.1.
Variant type: single nucleotide variant.
Coding change: c.1712+9C>T on transcript NM_004655.4 (MANE Select); 9 bases into the intron after coding-DNA position 1712, C replaced by T.
Molecular consequence: intron variant.
Genome position (GRCh38, 1-based): chr17:65,537,315, G>A on the plus strand (C>T on the coding strand, the complement: AXIN2 is on the minus strand). VCF-style: chr17-65537315-G-A. GRCh37 (hg19) VCF-style: chr17-63533433-G-A.
Other names: c.1712+9C>T (NM_001363813.1, LRG_296t1).
Identifiers: ClinVar variation 533265 (VCV000533265.11), dbSNP rs1464276356, ClinGen allele CA658798955.